The following is an entry in ClinVar:

NM_000384.3(APOB):c.83-7C>T

Genes: APOB (apolipoprotein B; minus strand), LOC106560211 (APOB 5' regulatory region; plus strand). Cytogenetic location: 2p24.1.
Variant type: single nucleotide variant.
Coding change: c.83-7C>T on transcript NM_000384.3 (MANE Select); 7 bases into the intron before coding-DNA position 83, C replaced by T.
Molecular consequence: intron variant.
Genome position (GRCh38, 1-based): chr2:21,043,558, G>A on the plus strand (C>T on the coding strand, the complement: APOB is on the minus strand). VCF-style: chr2-21043558-G-A. GRCh37 (hg19) VCF-style: chr2-21266430-G-A.
Identifiers: ClinVar variation 695711 (VCV000695711.20), dbSNP rs924078369, ClinGen allele CA43470047.
Genomic context (GRCh38, chr2:21,043,558, plus strand): 5'-GCGCAGATGCCTTACTTGGACAGACCAGGCTGACATTTTCCAGCATTTCCTCTTCTGTAA[G>A]ACAGGAGAAAGAAATCTGTGAGCTTCCCACGTCTTCCCAGCGGGTGCTAGGGCCCGACAG-3'

ClinVar aggregate classification (germline): Conflicting classifications of pathogenicity. Review status: criteria provided, conflicting classifications (1 of 4 stars). 2 submissions from 2 submitters: Uncertain significance (1); Likely benign (1). Last evaluated 2026-09-01.

Conditions:
Familial hypobetalipoproteinemia 1. Also called: Hypobetalipoproteinemia, normotriglyceridemic; Acanthocytosis with hypobetalipoproteinemia; APOB-Related Familial Hypobetalipoproteinemia. Identifiers: MedGen C4551990, MONDO:0014252, OMIM 615558.
Hypercholesterolemia, autosomal dominant, type B (FHCL2). Also called: HYPERCHOLESTEROLEMIA, FAMILIAL, DUE TO LIGAND-DEFECTIVE APOLIPOPROTEIN B; APOB-Related Familial Hypercholesterolemia, Autosomal Dominant; APOLIPOPROTEIN B-100, FAMILIAL LIGAND-DEFECTIVE; APOLIPOPROTEIN B-100, FAMILIAL DEFECTIVE; Familial Hypercholesterolemia Type B; Hyperlipoproteinemia Type IIb. Identifiers: MedGen C1704417, MONDO:0007751, OMIM 144010.

Allele frequency attached by ClinVar (database versions not stated): gnomAD 0.00001; gnomAD exomes 0.00001 and 0.00002; TOPMed 0.00004.
gnomAD v4.1: 15 of 1,599,924 alleles (0.00094%); highest among the groups gnomAD compares: Admixed American, 0.0069%; no homozygotes.

Submissions (2):

CeGaT Center for Human Genetics Tuebingen
Classification: Uncertain significance. Last evaluated: 2026-09-01. Review status: criteria provided, single submitter. Criteria: CeGaT Center For Human Genetics Tuebingen Variant Classification Criteria Version 2. Collection method: clinical testing. Allele origin: germline. Affected: yes. Observed: 1 variant allele.
Comment: APOB: PM2, BP4

Labcorp Genetics (formerly Invitae), Labcorp
Classification: Likely benign for Familial hypobetalipoproteinemia 1; Hypercholesterolemia, autosomal dominant, type B. Last evaluated: 2025-12-14. Review status: criteria provided, single submitter. Criteria: Invitae Variant Classification Sherloc (09022015). Collection method: clinical testing. Allele origin: germline.